The following is an entry in ClinVar:

ClinVar aggregate classification (germline): Benign/Likely benign. Review status: criteria provided, multiple submitters, no conflicts (2 of 4 stars). 20 submissions from 17 submitters: Benign (9); Likely benign (7). 4 of the submissions do not count toward it. Last evaluated 2026-09-21.

Conditions:
Cardiovascular phenotype. Identifiers: MedGen CN230736.
Cardiomyopathy, familial restrictive, 3. Identifiers: Orphanet 75249, MedGen C2676271, MONDO:0012900, OMIM 612422.
Hypertrophic cardiomyopathy 2. Also called: TNNT2-Related Familial Hypertrophic Cardiomyopathy. Identifiers: MedGen C1861864, MONDO:0007266, OMIM 115195.
Dilated cardiomyopathy 1D. Identifiers: Orphanet 154, Orphanet 54260, MedGen C1832243, MONDO:0011095, OMIM 601494.
Cardiomyopathy (CMYO). Also called: Cardiomyopathies. Identifiers: Orphanet 167848, MedGen C0878544, MONDO:0004994, HP:0001638. Inheritance: Various modes of inheritance.
Hypertrophic cardiomyopathy. Also called: HYPERTROPHIC MYOCARDIOPATHY. Identifiers: Orphanet 217569, MedGen C0007194, MeSH D002312, MONDO:0005045, HP:0001639.

Allele frequency attached by ClinVar (database versions not stated): ExAC 0.00243; 1000 Genomes Project 0.00619; gnomAD 0.00788 and 0.00731; ESP Exome Variant Server 0.00830; 1000 Genomes Project 30x 0.00671; TOPMed 0.00839.
gnomAD v4.1: 2,344 of 1,612,856 alleles (0.15%); highest among the groups gnomAD compares: African/African-American, 2.5%; 16 homozygotes.

Submissions (20):

Molecular Diagnostic Laboratory for Inherited Cardiovascular Disease, Montreal Heart Institute
Classification: Benign. Last evaluated: 2026-09-21. Review status: criteria provided, single submitter. Criteria: ACMG Guidelines, 2015. Collection method: clinical testing. Allele origin: germline. Affected: no.

Labcorp Genetics (formerly Invitae), Labcorp
Classification: Benign for Cardiomyopathy, familial restrictive, 3; Hypertrophic cardiomyopathy 2; Dilated cardiomyopathy 1D. Last evaluated: 2026-02-03. Review status: criteria provided, single submitter. Criteria: Invitae Variant Classification Sherloc (09022015). Collection method: clinical testing. Allele origin: germline.

Blueprint Genetics
Classification: Likely benign. Last evaluated: 2024-11-13. Review status: criteria provided, single submitter. Criteria: ACMG Guidelines, 2015. Collection method: clinical testing. Allele origin: germline.

All of Us Research Program, National Institutes of Health
Classification: Benign for Cardiomyopathy. Last evaluated: 2024-02-05. Review status: criteria provided, single submitter. Criteria: ACMG Guidelines, 2015. Collection method: clinical testing. Allele origin: germline. Inheritance: Autosomal dominant inheritance. Observed: 434 variant alleles, 430 heterozygotes, 4 homozygotes.
Comment: This study involves interpretation of variants in research participants for the purpose of population health screening. Participant phenotype was not available at the time of variant classification. Additional details can be found in publication PMID: 35346344, PMCID: PMC8962531

ARUP Laboratories, Molecular Genetics and Genomics, ARUP Laboratories
Classification: Benign. Last evaluated: 2023-10-10. Review status: criteria provided, single submitter. Criteria: ARUP Molecular Germline Variant Investigation Process 2024. Collection method: clinical testing. Allele origin: germline.

Genome-Nilou Lab
Classification: Likely benign for Dilated cardiomyopathy 1D. Last evaluated: 2023-04-11. Review status: criteria provided, single submitter. Criteria: ACMG Guidelines, 2015. Collection method: clinical testing. Allele origin: germline. Affected: no.

Genome-Nilou Lab
Classification: Likely benign for Cardiomyopathy, familial restrictive, 3. Last evaluated: 2023-04-11. Review status: criteria provided, single submitter. Criteria: ACMG Guidelines, 2015. Collection method: clinical testing. Allele origin: germline. Affected: no.

Genome-Nilou Lab
Classification: Likely benign for Hypertrophic cardiomyopathy 2. Last evaluated: 2023-04-11. Review status: criteria provided, single submitter. Criteria: ACMG Guidelines, 2015. Collection method: clinical testing. Allele origin: germline. Affected: no.

Mayo Clinic Laboratories, Mayo Clinic
Classification: Benign. Last evaluated: 2022-10-26. Review status: criteria provided, single submitter. Criteria: ACMG Guidelines, 2015. Collection method: clinical testing. Allele origin: germline. Observed: 14 variant alleles.
Comment: BS1, BS2

Color Diagnostics, LLC DBA Color Health
Classification: Benign for Cardiomyopathy. Last evaluated: 2018-03-16. Review status: criteria provided, single submitter. Criteria: ACMG Guidelines, 2015. Collection method: clinical testing. Allele origin: germline.

Illumina Laboratory Services, Illumina
Classification: Likely benign for Cardiomyopathy, familial restrictive, 3. Last evaluated: 2018-01-12. Review status: criteria provided, single submitter. Criteria: ICSL Variant Classification Criteria 13 December 2019. Collection method: clinical testing. Allele origin: germline.
Comment: This variant was observed in the ICSL laboratory as part of a predisposition screen in an ostensibly healthy population. It had not been previously curated by ICSL or reported in the Human Gene Mutation Database (HGMD: prior to June 1st, 2018), and was therefore a candidate for classification through an automated scoring system. Utilizing variant allele frequency, disease prevalence and penetrance estimates, and inheritance mode, an automated score was calculated to assess if this variant is too frequent to cause the disease. Based on the score and internal cut-off values, a variant classified as likely benign is not then subjected to further curation. The score for this variant resulted in a classification of likely benign for this disease.

Illumina Laboratory Services, Illumina
Classification: Likely benign for Hypertrophic cardiomyopathy 2. Last evaluated: 2018-01-12. Review status: criteria provided, single submitter. Criteria: ICSL Variant Classification Criteria 13 December 2019. Collection method: clinical testing. Allele origin: germline.
Comment: the same text as in the submission from Illumina Laboratory Services, Illumina above.

Ambry Genetics
Classification: Benign for Cardiovascular phenotype. Last evaluated: 2016-01-18. Review status: criteria provided, single submitter. Criteria: Ambry Variant Classification Scheme 2023. Collection method: clinical testing. Allele origin: germline.

GeneDx
Classification: Benign. Last evaluated: 2015-03-03. Review status: criteria provided, single submitter. Criteria: GeneDx Variant Classification Process June 2021. Collection method: clinical testing. Allele origin: germline. Affected: yes.

Laboratory for Molecular Medicine, Mass General Brigham Personalized Medicine
Classification: Benign. Last evaluated: 2009-10-27. Review status: criteria provided, single submitter. Criteria: LMM Criteria. Collection method: clinical testing. Allele origin: germline. Observed: 36 variant alleles.

Breakthrough Genomics
Classification: Likely benign. Review status: criteria provided, single submitter. Criteria: ACMG Guidelines, 2015. Collection method: not provided. Allele origin: germline. Inheritance: Autosomal dominant inheritance. Affected: yes.

Cohesion Phenomics
Classification: Benign for Hypertrophic Cardiomyopathy. Last evaluated: 2022-09-27. Review status: no assertion criteria provided. Criteria: ACMG Guidelines, 2015. Collection method: clinical testing. Allele origin: germline. Affected: yes. Not counted in ClinVar's aggregate classification.

Clinical Genetics DNA and cytogenetics Diagnostics Lab, Erasmus MC, Erasmus Medical Center
Classification: Benign. Review status: no assertion criteria provided. Collection method: clinical testing. Allele origin: germline. Affected: yes. Study: VKGL Data-share Consensus. Not counted in ClinVar's aggregate classification.

Clinical Genetics, Academic Medical Center
Classification: Benign. Review status: no assertion criteria provided. Collection method: clinical testing. Allele origin: germline. Affected: yes. Study: VKGL Data-share Consensus. Not counted in ClinVar's aggregate classification.

Joint Genome Diagnostic Labs from Nijmegen and Maastricht, Radboudumc and MUMC+
Classification: Benign. Review status: no assertion criteria provided. Collection method: clinical testing. Allele origin: germline. Affected: yes. Study: VKGL Data-share Consensus. Not counted in ClinVar's aggregate classification.

NM_001276345.2(TNNT2):c.474G>C (p.Arg158=)

Gene: TNNT2 (troponin T2, cardiac type; minus strand). Cytogenetic location: 1q32.1.
Variant type: single nucleotide variant.
Coding change: c.474G>C on transcript NM_001276345.2 (MANE Select); coding-DNA position 474, G replaced by C.
Protein change: p.Arg158=; no amino-acid change (arginine 158 retained).
Molecular consequence: synonymous variant.
Genome position (GRCh38, 1-based): chr1:201,364,313, C>G on the plus strand (G>C on the coding strand, the complement: TNNT2 is on the minus strand). VCF-style: chr1-201364313-C-G. GRCh37 (hg19) VCF-style: chr1-201333441-C-G.
Other names: p.Arg148=; c.474G>C, p.Arg158= (NM_000364.4); c.444G>C, p.Arg148= (NM_001001430.3, NM_001001431.3, NM_001276347.2); c.429G>C, p.Arg143= (NM_001001432.3); c.354G>C, p.Arg118= (NM_001276346.2).
Identifiers: ClinVar variation 43641 (VCV000043641.39), dbSNP rs35914325, ClinGen allele CA004576.